The following is an entry in ClinVar:

ClinVar aggregate classification (germline): Likely benign. Review status: criteria provided, multiple submitters, no conflicts (2 of 4 stars). 3 submissions from 3 submitters: Likely benign (3). Last evaluated 2024-08-07.

Conditions:
Beckwith-Wiedemann syndrome (BWS). Also called: EMG SYNDROME; Exomphalos macroglossia gigantism syndrome. Identifiers: Orphanet 116, MedGen C0004903, MONDO:0007534, OMIM 130650.

Allele frequency attached by ClinVar (database versions not stated): gnomAD exomes below 0.00001.

Submissions (3):

Blueprint Genetics
Classification: Likely benign. Last evaluated: 2024-08-07. Review status: criteria provided, single submitter. Criteria: ACMG Guidelines, 2015. Collection method: clinical testing. Allele origin: germline.

CeGaT Center for Human Genetics Tuebingen
Classification: Likely benign. Last evaluated: 2024-07-01. Review status: criteria provided, single submitter. Criteria: CeGaT Center For Human Genetics Tuebingen Variant Classification Criteria Version 2. Collection method: clinical testing. Allele origin: germline. Affected: yes. Observed: 1 variant allele.
Comment: CDKN1C: PM2:Supporting, BP4, BP7

Labcorp Genetics (formerly Invitae), Labcorp
Classification: Likely benign for Beckwith-Wiedemann syndrome. Last evaluated: 2023-01-06. Review status: criteria provided, single submitter. Criteria: Invitae Variant Classification Sherloc (09022015). Collection method: clinical testing. Allele origin: germline.

NM_001122630.2(CDKN1C):c.-10-9C>T

Gene: CDKN1C (cyclin dependent kinase inhibitor 1C; minus strand). Cytogenetic location: 11p15.4.
Variant type: single nucleotide variant.
Coding change: c.-10-9C>T on transcript NM_001122630.2 (MANE Select); 9 bases into the intron before 10 bases upstream of the start codon, C replaced by T.
Molecular consequence: intron variant. On other transcripts: synonymous variant (2).
Genome position (GRCh38, 1-based): chr11:2,885,475, G>A on the plus strand (C>T on the coding strand, the complement: CDKN1C is on the minus strand). VCF-style: chr11-2885475-G-A. GRCh37 (hg19) VCF-style: chr11-2906705-G-A.
Other names: c.15C>T, p.Ser5= (LRG_533t1, NM_000076.2, NM_001362474.2); c.-10-9C>T (NM_001362475.2, NM_001122631.2).
Identifiers: ClinVar variation 236950 (VCV000236950.28), dbSNP rs878853624, ClinGen allele CA10582909.